The following is an entry in ClinVar:

ClinVar aggregate classification (germline): Conflicting classifications of pathogenicity. Review status: criteria provided, conflicting classifications (1 of 4 stars). 2 submissions from 2 submitters: Uncertain significance (1); Likely benign (1). Last evaluated 2023-11-11.

Conditions:
Spastic paraplegia. Identifiers: MedGen C0037772, HP:0001258.

Allele frequency attached by ClinVar (database versions not stated): gnomAD exomes below 0.00001; gnomAD 0.00001.
gnomAD v4.1: 8 of 1,613,734 alleles (0.0005%); highest among the groups gnomAD compares: South Asian, 0.0033%; no homozygotes.

Submissions (2):

Labcorp Genetics (formerly Invitae), Labcorp
Classification: Likely benign for Spastic paraplegia. Last evaluated: 2023-11-11. Review status: criteria provided, single submitter. Criteria: Invitae Variant Classification Sherloc (09022015). Collection method: clinical testing. Allele origin: germline.

GeneDx
Classification: Uncertain significance. Last evaluated: 2023-02-01. Review status: criteria provided, single submitter. Criteria: GeneDx Variant Classification Process June 2021. Collection method: clinical testing. Allele origin: germline. Affected: yes.
Comment: Not observed at significant frequency in large population cohorts (gnomAD); In silico analysis supports that this missense variant does not alter protein structure/function; Has not been previously published as pathogenic or benign to our knowledge; This variant is associated with the following publications: (PMID: 25008398, 22785106)

NM_004984.4(KIF5A):c.2816G>A (p.Arg939Gln)

Gene: KIF5A (kinesin family member 5A; plus strand). Cytogenetic location: 12q13.3.
Variant type: single nucleotide variant.
Coding change: c.2816G>A on transcript NM_004984.4 (MANE Select); coding-DNA position 2816, G replaced by A.
Protein change: p.Arg939Gln; replaces arginine 939 with glutamine.
Molecular consequence: missense variant.
Genome position (GRCh38, 1-based): chr12:57,581,475, G>A. VCF-style: chr12-57581475-G-A. GRCh37 (hg19) VCF-style: chr12-57975258-G-A.
Other names: c.2549G>A, p.Arg850Gln (NM_001354705.2); short protein forms R850Q, R939Q.
Identifiers: ClinVar variation 2574797 (VCV002574797.4), dbSNP rs1188692048, ClinGen allele CA385515774.
Genomic context (GRCh38, chr12:57,581,475, plus strand): 5'-CCAAACCCGTCCGGCCTGGCCACTACCCAGCATCCTCACCCACCAACCCCTATGGCACCC[G>A]GAGCCCTGAGTGCATCAGTTACACCAACAGCCTCTTCCAGAACTACCAGAATCTCTACCT-3'
Protein context (NP_004975.2, residues 929-949): ASSPTNPYGT[Arg939Gln]SPECISYTNS